The following is an entry in ClinVar:

ClinVar aggregate classification (germline): Uncertain significance. Review status: criteria provided, multiple submitters, no conflicts (2 of 4 stars). 2 submissions from 2 submitters: Uncertain significance (2). Last evaluated 2025-11-15.

Allele frequency attached by ClinVar (database versions not stated): gnomAD exomes 0.00002 and 0.00001; TOPMed 0.00003; gnomAD 0.00001; ExAC 0.00002; ESP Exome Variant Server 0.00008.
gnomAD v4.1: 22 of 1,613,982 alleles (0.0014%); highest among the groups gnomAD compares: East Asian, 0.0067%; no homozygotes.

Submissions (2):

GeneDx
Classification: Uncertain significance. Last evaluated: 2025-11-15. Review status: criteria provided, single submitter. Criteria: GeneDx Variant Classification Process June 2021. Collection method: clinical testing. Allele origin: germline.
Comment: Not observed at significant frequency in large population cohorts (gnomAD); In silico analysis suggests that this missense variant does not alter protein structure/function; Has not been previously published as pathogenic or benign to our knowledge

Labcorp Genetics (formerly Invitae), Labcorp
Classification: Uncertain significance. Last evaluated: 2022-09-27. Review status: criteria provided, single submitter. Criteria: Invitae Variant Classification Sherloc (09022015). Collection method: clinical testing. Allele origin: germline.
Comment: This variant has not been reported in the literature in individuals affected with TUBGCP6-related conditions. This variant is present in population databases (rs367933636, gnomAD 0.01%). This sequence change replaces arginine, which is basic and polar, with glutamine, which is neutral and polar, at codon 611 of the TUBGCP6 protein (p.Arg611Gln). In summary, the available evidence is currently insufficient to determine the role of this variant in disease. Therefore, it has been classified as a Variant of Uncertain Significance. Algorithms developed to predict the effect of sequence changes on RNA splicing suggest that this variant may create or strengthen a splice site. Algorithms developed to predict the effect of missense changes on protein structure and function output the following: SIFT: "Tolerated"; PolyPhen-2: "Benign"; Align-GVGD: "Class C0". The glutamine amino acid residue is found in multiple mammalian species, which suggests that this missense change does not adversely affect protein function. ClinVar contains an entry for this variant (Variation ID: 860510).

NM_020461.4(TUBGCP6):c.1832G>A (p.Arg611Gln)

Gene: TUBGCP6 (tubulin gamma complex component 6; minus strand). Cytogenetic location: 22q13.33.
Variant type: single nucleotide variant.
Coding change: c.1832G>A on transcript NM_020461.4 (MANE Select); coding-DNA position 1832, G replaced by A.
Protein change: p.Arg611Gln; replaces arginine 611 with glutamine.
Molecular consequence: missense variant.
Genome position (GRCh38, 1-based): chr22:50,226,051, C>T on the plus strand (G>A on the coding strand, the complement: TUBGCP6 is on the minus strand). VCF-style: chr22-50226051-C-T. GRCh37 (hg19) VCF-style: chr22-50664480-C-T.
Other names: short protein forms R611Q.
Identifiers: ClinVar variation 860510 (VCV000860510.11), dbSNP rs367933636, ClinGen allele CA10308502.